The following is an entry in ClinVar:

ClinVar aggregate classification (germline): Uncertain significance (1 of 4 stars; one submission).

Submission:

Ambry Genetics
Classification: Uncertain significance. Last evaluated: 2022-11-20. Review status: criteria provided, single submitter. Criteria: Ambry Variant Classification Scheme 2023. Collection method: clinical testing. Allele origin: germline.
Comment: The p.A195P variant (also known as c.583G>C), located in coding exon 5 of the RECQL gene, results from a G to C substitution at nucleotide position 583. The alanine at codon 195 is replaced by proline, an amino acid with highly similar properties. This amino acid position is conserved. In addition, this alteration is predicted to be deleterious by in silico analysis. Since supporting evidence is limited at this time, the clinical significance of this alteration remains unclear.

NM_002907.4(RECQL):c.583G>C (p.Ala195Pro)

Gene: RECQL (RecQ like helicase; minus strand). Cytogenetic location: 12p12.1.
Variant type: single nucleotide variant.
Coding change: c.583G>C on transcript NM_002907.4 (MANE Select); coding-DNA position 583, G replaced by C.
Protein change: p.Ala195Pro; replaces alanine 195 with proline.
Molecular consequence: missense variant.
Genome position (GRCh38, 1-based): chr12:21,483,493, C>G on the plus strand (G>C on the coding strand, the complement: RECQL is on the minus strand). VCF-style: chr12-21483493-C-G. GRCh37 (hg19) VCF-style: chr12-21636427-C-G.
Other names: c.583G>C, p.Ala195Pro (NM_032941.3); short protein forms A195P.
Identifiers: ClinVar variation 2450955 (VCV002450955.2), dbSNP rs1477534266, ClinGen allele CA384127399.